The following is an entry in ClinVar:

NC_000002.11:g.(?_31621419)_(31624214_?)del

Gene: XDH (xanthine dehydrogenase; minus strand). Cytogenetic location: 2p23.1.
Variant type: Deletion.
Identifiers: ClinVar variation 3247316 (VCV003247316.1).

ClinVar aggregate classification (germline): Pathogenic (1 of 4 stars; one submission).

Conditions:
Xanthinuria type II. Also called: Xanthine dehydrogenase and aldehyde oxidase combined deficiency of; XDH and AOX dual deficiency. Identifiers: Orphanet 3467, Orphanet 93602, MedGen C1863688, MONDO:0011346, OMIM 603592.

Submission:

Labcorp Genetics (formerly Invitae), Labcorp
Classification: Pathogenic for Xanthinuria type II. Last evaluated: 2023-03-18. Review status: criteria provided, single submitter. Criteria: Invitae Variant Classification Sherloc (09022015). Collection method: clinical testing. Allele origin: unknown.
Comment: For these reasons, this variant has been classified as Pathogenic. This variant has not been reported in the literature in individuals affected with XDH-related conditions. This variant is a gross deletion of the genomic region encompassing exon(s) 4-5 of the XDH gene. This deletion is out-of-frame, and is expected to create a premature termination codon and result in an absent or disrupted protein product. Loss-of-function variants in XDH are known to be pathogenic (PMID: 9153281).

Literature cited by the submitters: PubMed 9153281.